The following is an entry in ClinVar:

ClinVar aggregate classification (germline): Pathogenic/Likely pathogenic. Review status: criteria provided, multiple submitters, no conflicts (2 of 4 stars). 3 submissions from 3 submitters: Pathogenic (1); Likely pathogenic (1). 1 of the submissions does not count toward it. Last evaluated 2021-03-04.

Conditions:
IRAK4-related disorders.
Immunodeficiency 67. Also called: Immunodeficiency due to interleukin-1 receptor-associated kinase-4 deficiency. Identifiers: Orphanet 70592, MedGen C1843256, MONDO:0011888, OMIM 607676.

Submissions (3):

Blueprint Genetics
Classification: Likely pathogenic for IRAK4-related disorders. Last evaluated: 2021-03-04. Review status: criteria provided, single submitter. Criteria: ACMG Guidelines, 2015. Collection method: clinical testing. Allele origin: germline. Affected: yes. Observed: 1 variant allele.

Juno Genomics, Hangzhou Juno Genomics, Inc
Classification: Pathogenic for Immunodeficiency 67. Review status: criteria provided, single submitter. Criteria: ACMG Guidelines, 2015. Collection method: clinical testing. Allele origin: germline.
Comment: Absent from controls (or at extremely low frequency if recessive) in Genome Aggregation Database.;Null variant in a gene where loss of function (LOF) is a known mechanism of disease.;For recessive disorders, detected in trans with a pathogenic variant.

OMIM
Classification: Pathogenic for IMMUNODEFICIENCY 67. Last evaluated: 2003-08-18. Review status: no assertion criteria provided. Collection method: literature only. Allele origin: germline. Not counted in ClinVar's aggregate classification.

Literature cited by the submitters: PubMed 12925671 (cited by OMIM).

NM_016123.4(IRAK4):c.623_624del (p.Thr208fs)

Gene: IRAK4 (interleukin 1 receptor associated kinase 4; plus strand). Cytogenetic location: 12q12.
Variant type: Microsatellite.
Coding change: c.623_624del on transcript NM_016123.4 (MANE Select); coding-DNA positions 623 to 624, 2 bases deleted (CA; older notation c.623_624delCA).
Protein change: p.Thr208fs; shifts the reading frame from threonine 208.
Molecular consequence: frameshift variant. On other transcripts: intron variant (2).
Genome position (GRCh38, 1-based): chr12:43,773,044-43,773,045, CA deleted; deleting any 2 consecutive bases within chr12:43,773,041-43,773,045 gives the same sequence; the c. name uses the placement nearest the transcript's 3' end. VCF-style (leftmost placement, unchanged base first): chr12-43773040-AAC-A. GRCh37 (hg19) VCF-style: chr12-44166843-AAC-A.
Other names: c.623_624del, p.Thr208fs (NM_001114182.3, NM_001351345.2); c.251_252del, p.Thr84fs (NM_001145256.2, NM_001145257.2, NM_001145258.2 and 5 more transcripts); c.42+58_42+59del (NM_001351343.2, NM_001351344.2); c.620_621del (NM_016123.4); short protein forms T208fs, T84fs.
Identifiers: ClinVar variation 3840 (VCV000003840.6), dbSNP rs1421444086, ClinGen allele CA689038588.